The following is an entry in ClinVar:

NM_000059.4(BRCA2):c.6842-11T>A

Gene: BRCA2 (BRCA2 DNA repair associated; plus strand). Cytogenetic location: 13q13.1.
Variant type: single nucleotide variant.
Coding change: c.6842-11T>A on transcript NM_000059.4 (MANE Select); 11 bases into the intron before coding-DNA position 6842, T replaced by A.
Molecular consequence: intron variant.
Genome position (GRCh38, 1-based): chr13:32,344,547, T>A. VCF-style: chr13-32344547-T-A. GRCh37 (hg19) VCF-style: chr13-32918684-T-A.
Other names: IVS11-11T>A.
Identifiers: ClinVar variation 52208 (VCV000052208.17), dbSNP rs81002877, ClinGen allele CA024498.

ClinVar aggregate classification (germline): Conflicting classifications of pathogenicity. Review status: criteria provided, conflicting classifications (1 of 4 stars). 5 submissions from 5 submitters: Uncertain significance (1); Likely benign (3). 1 of the submissions does not count toward it. Last evaluated 2026-03-11.

Conditions:
Hereditary cancer-predisposing syndrome. Also called: Neoplastic Syndromes, Hereditary; Hereditary neoplastic syndrome; Hereditary Cancer Syndrome; Tumor predisposition. Identifiers: Orphanet 140162, MedGen C0027672, MeSH D009386, MONDO:0015356.
Hereditary breast ovarian cancer syndrome. Also called: Breast and ovarian cancer; BRCA1- and BRCA2-Associated Hereditary Breast and Ovarian Cancer; Hereditary breast and ovarian cancer syndrome (HBOC); Hereditary breast and/or ovarian cancer syndrome; Hereditary breast and ovarian cancer; Hereditary breast and ovarian cancer syndrome. Identifiers: Orphanet 145, MedGen C0677776, MeSH D061325, MONDO:0003582. Disease mechanism: loss of function.
Breast-ovarian cancer, familial, susceptibility to, 2 (BROVCA2). Also called: BRCA2 Hereditary Breast and Ovarian Cancer. Identifiers: Orphanet 145, MedGen C2675520, MONDO:0012933, OMIM 612555. Disease mechanism: loss of function.

Allele frequency attached by ClinVar (database versions not stated): gnomAD 0.00001; TOPMed 0.00002.
gnomAD v4.1: 4 of 1,478,630 alleles (0.00027%); highest among the groups gnomAD compares: African/African-American, 0.0056%; no homozygotes.

Submissions (5):

Women's Health and Genetics/Laboratory Corporation of America, LabCorp
Classification: Likely benign. Last evaluated: 2026-03-11. Review status: criteria provided, single submitter. Criteria: LabCorp Variant Classification Summary - May 2015. Collection method: clinical testing. Allele origin: germline.
Comment: Variant summary: BRCA2 c.6842-11T>A alters a conserved nucleotide located at a position not widely known to affect splicing. Consensus agreement among computation tools predict no significant impact on normal splicing. However, these predictions have yet to be confirmed by functional studies. The frequency data for this variant in gnomAD is considered unreliable, as metrics indicate poor data quality at this position. To our knowledge, no occurrence of c.6842-11T>A in individuals affected with BRCA2-related conditions and no experimental evidence demonstrating its impact on protein function have been reported. ClinVar contains an entry for this variant (Variation ID: 52208). Based on the evidence outlined above, the variant was classified as likely benign.

Labcorp Genetics (formerly Invitae), Labcorp
Classification: Likely benign for Hereditary breast ovarian cancer syndrome. Last evaluated: 2025-10-14. Review status: criteria provided, single submitter. Criteria: Invitae Variant Classification Sherloc (09022015). Collection method: clinical testing. Allele origin: germline.

GeneDx
Classification: Uncertain significance. Last evaluated: 2025-01-30. Review status: criteria provided, single submitter. Criteria: GeneDx Variant Classification Process June 2021. Collection method: clinical testing. Allele origin: germline.
Comment: Not observed at significant frequency in large population cohorts (gnomAD); Has not been previously published as pathogenic or benign to our knowledge; In silico analysis is inconclusive as to whether the variant alters gene splicing. In the absence of RNA/functional studies, the actual effect of this sequence change is unknown; Also known as 7070-11T>A; This variant is associated with the following publications: (PMID: 21523855, 31131967)

Color Diagnostics, LLC DBA Color Health
Classification: Likely benign for Hereditary cancer-predisposing syndrome. Last evaluated: 2017-04-28. Review status: criteria provided, single submitter. Criteria: ACMG Guidelines, 2015. Collection method: clinical testing. Allele origin: germline.

Breast Cancer Information Core (BIC) (BRCA2)
Classification: Uncertain significance for Breast-ovarian cancer, familial 2. Last evaluated: 2004-02-20. Review status: no assertion criteria provided. Collection method: clinical testing. Allele origin: germline. Affected: yes. Observed: 1 variant allele. Not counted in ClinVar's aggregate classification.